The following is an entry in ClinVar:

NM_022132.4(MCCC2):c.-336A>T

Gene: MCCC2 (methylcrotonyl-CoA carboxylase subunit 2; plus strand). Cytogenetic location: 5q13.2.
Variant type: single nucleotide variant.
Coding change: c.-336A>T on transcript NM_022132.4; 336 bases upstream of the start codon, A replaced by T.
Genome position (GRCh38, 1-based): chr5:71,587,090, A>T. VCF-style: chr5-71587090-A-T. GRCh37 (hg19) VCF-style: chr5-70882917-A-T.
Identifiers: ClinVar variation 684211 (VCV000684211.3), dbSNP rs467413, ClinGen allele CA11971448.
Genomic context (GRCh38, chr5:71,587,090, plus strand): 5'-CTTATTCTCCTGCCTTAGGTACAGTCACTATCGTGATATTATCTATCGCTGTGTCAACAC[A>T]ACACCAATCCAAGCCCAACCGCAGCTCTCTCACTGCCGCACCGCTTCGTGAGGGTCGATC-3'

ClinVar aggregate classification (germline): Benign (1 of 4 stars; one submission).

Allele frequency attached by ClinVar (database versions not stated): gnomAD 0.44357 and 0.44234; 1000 Genomes Project 30x 0.42817; TOPMed 0.42351; 1000 Genomes Project 0.43111.

Submission:

GeneDx
Classification: Benign. Last evaluated: 2018-06-19. Review status: criteria provided, single submitter. Criteria: GeneDx Variant Classification (06012015). Collection method: clinical testing. Allele origin: germline. Affected: yes.
Comment: This variant is considered likely benign or benign based on one or more of the following criteria: it is a conservative change, it occurs at a poorly conserved position in the protein, it is predicted to be benign by multiple in silico algorithms, and/or has population frequency not consistent with disease.